The following is an entry in ClinVar:

NM_025179.4(PLXNA2):c.2098G>T (p.Asp700Tyr)

Gene: PLXNA2 (plexin A2; minus strand). Cytogenetic location: 1q32.2.
Variant type: single nucleotide variant.
Coding change: c.2098G>T on transcript NM_025179.4 (MANE Select); coding-DNA position 2098, G replaced by T.
Protein change: p.Asp700Tyr; replaces aspartic acid 700 with tyrosine.
Molecular consequence: missense variant.
Genome position (GRCh38, 1-based): chr1:208,084,580, C>A on the plus strand (G>T on the coding strand, the complement: PLXNA2 is on the minus strand). VCF-style: chr1-208084580-C-A. GRCh37 (hg19) VCF-style: chr1-208257925-C-A.
Other names: short protein forms D700Y.
Identifiers: ClinVar variation 3348917 (VCV003348917.1).

ClinVar aggregate classification (germline): Uncertain significance (0 of 4 stars; one submission).

Conditions:
PLXNA2-related disorder. Also called: PLXNA2-related condition.

Submission:

PreventionGenetics, part of Exact Sciences
Classification: Uncertain significance for PLXNA2-related condition. Last evaluated: 2024-02-06. Review status: no assertion criteria provided. Collection method: clinical testing. Allele origin: germline.
Comment: The PLXNA2 c.2098G>T variant is predicted to result in the amino acid substitution p.Asp700Tyr. To our knowledge, this variant has not been reported in the literature or in a large population database, indicating this variant is rare. At this time, the clinical significance of this variant is uncertain due to the absence of conclusive functional and genetic evidence.